The following is an entry in ClinVar:

ClinVar aggregate classification (germline): Uncertain significance (1 of 4 stars; one submission).

Submission:

Labcorp Genetics (formerly Invitae), Labcorp
Classification: Uncertain significance. Last evaluated: 2025-01-13. Review status: criteria provided, single submitter. Criteria: Invitae Variant Classification Sherloc (09022015). Collection method: clinical testing. Allele origin: germline.
Comment: This sequence change replaces lysine, which is basic and polar, with glutamic acid, which is acidic and polar, at codon 1603 of the RAI1 protein (p.Lys1603Glu). This variant is not present in population databases (gnomAD no frequency). This variant has not been reported in the literature in individuals affected with RAI1-related conditions. ClinVar contains an entry for this variant (Variation ID: 1427237). Invitae Evidence Modeling of protein sequence and biophysical properties (such as structural, functional, and spatial information, amino acid conservation, physicochemical variation, residue mobility, and thermodynamic stability) indicates that this missense variant is expected to disrupt RAI1 protein function with a positive predictive value of 80%. In summary, the available evidence is currently insufficient to determine the role of this variant in disease. Therefore, it has been classified as a Variant of Uncertain Significance.

NM_030665.4(RAI1):c.4807A>G (p.Lys1603Glu)

Gene: RAI1 (retinoic acid induced 1; plus strand). Cytogenetic location: 17p11.2.
Variant type: single nucleotide variant.
Coding change: c.4807A>G on transcript NM_030665.4 (MANE Select); coding-DNA position 4807, A replaced by G.
Protein change: p.Lys1603Glu; replaces lysine 1603 with glutamic acid.
Molecular consequence: missense variant.
Genome position (GRCh38, 1-based): chr17:17,797,755, A>G. VCF-style: chr17-17797755-A-G. GRCh37 (hg19) VCF-style: chr17-17701069-A-G.
Other names: short protein forms K1603E.
Identifiers: ClinVar variation 1427237 (VCV001427237.6), dbSNP rs2143003210, ClinGen allele CA398557553.